The following is an entry in ClinVar:

ClinVar aggregate classification (germline): Pathogenic. Review status: criteria provided, multiple submitters, no conflicts (2 of 4 stars). 3 submissions from 2 submitters: Pathogenic (3). Last evaluated 2016-09-08.

Conditions:
Hereditary nonpolyposis colorectal neoplasms. Identifiers: MedGen C0009405, MeSH D003123.
Hereditary cancer-predisposing syndrome. Also called: Hereditary Cancer Syndrome; Hereditary neoplastic syndrome; Neoplastic Syndromes, Hereditary; Tumor predisposition. Identifiers: Orphanet 140162, MedGen C0027672, MeSH D009386, MONDO:0015356.
Lynch syndrome. Identifiers: Orphanet 144, MedGen C4552100, MONDO:0005835. Disease mechanism: loss of function.

Submissions (3):

Ambry Genetics
Classification: Pathogenic for Hereditary cancer-predisposing syndrome. Last evaluated: 2016-09-08. Review status: criteria provided, single submitter. Criteria: Ambry Variant Classification Scheme 2023. Collection method: clinical testing. Allele origin: germline.
Comment: The c.3435delA pathogenic mutation, located in coding exon 5 of the MSH6 gene, results from a deletion of one nucleotide at nucleotide position 3435, causing a translational frameshift with a predicted alternate stop codon. This alteration is expected to result in loss of function by premature protein truncation or nonsense-mediated mRNA decay. As such, this alteration is interpreted as a disease-causing mutation.

Labcorp Genetics (formerly Invitae), Labcorp
Classification: Pathogenic for Lynch syndrome. Last evaluated: 2015-04-21. Review status: criteria provided, single submitter. Criteria: Invitae Variant Classification Sherloc (09022015). Collection method: clinical testing. Allele origin: germline.
Comment: This sequence change deletes 1 nucleotide from exon 5 of the MSH6 mRNA (c.3435delA), causing a frameshift at codon 1145. This creates a premature translational stop signal (p.Arg1145Serfs*6) and is expected to result in an absent or disrupted protein product. While this particular variant has not been reported in the literature, truncating sequence changes in MSH6 are known to be pathogenic (PMID: 24362816, 18269114). For these reasons, this variant has been classified as Pathogenic.

Labcorp Genetics (formerly Invitae), Labcorp
Classification: Pathogenic for Hereditary nonpolyposis colorectal neoplasms. Last evaluated: 2015-04-21. Review status: criteria provided, single submitter. Criteria: Invitae Variant Classification Sherloc (09022015). Collection method: clinical testing. Allele origin: germline.
Comment: For these reasons, this variant has been classified as Pathogenic. While this particular variant has not been reported in the literature, truncating sequence changes in MSH6 are known to be pathogenic (PMID: 24362816, 18269114). This sequence change deletes 1 nucleotide from exon 5 of the MSH6 mRNA (c.3435delA), causing a frameshift at codon 1145. This creates a premature translational stop signal (p.Arg1145Serfs*6) and is expected to result in an absent or disrupted protein product.

Literature cited by the submitters: PubMed 24362816 (cited by Labcorp Genetics (formerly Invitae), Labcorp); PubMed 18269114 (cited by Labcorp Genetics (formerly Invitae), Labcorp).

NM_000179.3(MSH6):c.3435del (p.Arg1145fs)

Gene: MSH6 (mutS homolog 6; plus strand). Cytogenetic location: 2p16.3.
Variant type: Deletion.
Coding change: c.3435del on transcript NM_000179.3 (MANE Select); coding-DNA position 3435, one base deleted (A; older notation c.3435delA).
Protein change: p.Arg1145fs; shifts the reading frame from arginine 1145.
Molecular consequence: frameshift variant.
Genome position (GRCh38, 1-based): chr2:47,803,682, A deleted. VCF-style (leftmost placement, unchanged base first): chr2-47803681-GA-G. GRCh37 (hg19) VCF-style: chr2-48030820-GA-G.
Other names: c.3045del, p.Arg1015fs (NM_001281492.2); c.2529del, p.Arg843fs (NM_001281493.2, NM_001281494.2); c.3435delA (NM_000179.2); short protein forms R1145fs, R1015fs, R843fs.
Identifiers: ClinVar variation 216045 (VCV000216045.12), dbSNP rs863224476, ClinGen allele CA336333.
Genomic context (GRCh38, chr2:47,803,681, plus strand): 5'-GCAAAGCCTATTGTGTGCTTGTTACTGGACCAAATATGGGGGGCAAGTCTACGCTTATGA[GA>G]CAGGTAACTGATTCTTAAAGTTTTGTTATCAGAAAGTCATTTGTGACATTAGGAATAACA-3'